The following is an entry in ClinVar:

ClinVar aggregate classification (germline): Uncertain significance (1 of 4 stars; one submission).

Conditions:
Brody myopathy. Also called: BRODY DISEASE. Identifiers: Orphanet 53347, MedGen C1832918, MONDO:0010977, OMIM 601003.

Submission:

Labcorp Genetics (formerly Invitae), Labcorp
Classification: Uncertain significance for Brody myopathy. Last evaluated: 2022-05-16. Review status: criteria provided, single submitter. Criteria: Invitae Variant Classification Sherloc (09022015). Collection method: clinical testing. Allele origin: germline.
Comment: This sequence change replaces isoleucine, which is neutral and non-polar, with valine, which is neutral and non-polar, at codon 85 of the ATP2A1 protein (p.Ile85Val). This variant is not present in population databases (gnomAD no frequency). This variant has not been reported in the literature in individuals affected with ATP2A1-related conditions. Algorithms developed to predict the effect of missense changes on protein structure and function output the following: SIFT: "Tolerated"; PolyPhen-2: "Benign"; Align-GVGD: "Class C0". The valine amino acid residue is found in multiple mammalian species, which suggests that this missense change does not adversely affect protein function. In summary, the available evidence is currently insufficient to determine the role of this variant in disease. Therefore, it has been classified as a Variant of Uncertain Significance.

NM_004320.6(ATP2A1):c.253A>G (p.Ile85Val)

Gene: ATP2A1 (ATPase sarcoplasmic/endoplasmic reticulum Ca2+ transporting 1; plus strand). Cytogenetic location: 16p11.2.
Variant type: single nucleotide variant.
Coding change: c.253A>G on transcript NM_004320.6 (MANE Select); coding-DNA position 253, A replaced by G.
Protein change: p.Ile85Val; replaces isoleucine 85 with valine.
Molecular consequence: missense variant. On other transcripts: 5 prime UTR variant (1).
Genome position (GRCh38, 1-based): chr16:28,880,948, A>G. VCF-style: chr16-28880948-A-G. GRCh37 (hg19) VCF-style: chr16-28892269-A-G.
Other names: c.-123A>G (NM_001286075.2); c.253A>G, p.Ile85Val (NM_173201.5); short protein forms I85V.
Identifiers: ClinVar variation 1995063 (VCV001995063.1), dbSNP rs2506250727, ClinGen allele CA395400463.